The following is an entry in ClinVar:

NM_006912.6(RIT1):c.334C>G (p.Arg112Gly)

Gene: RIT1 (Ras like without CAAX 1; minus strand). Cytogenetic location: 1q22.
Variant type: single nucleotide variant.
Coding change: c.334C>G on transcript NM_006912.6 (MANE Select); coding-DNA position 334, C replaced by G.
Protein change: p.Arg112Gly; replaces arginine 112 with glycine.
Molecular consequence: missense variant.
Genome position (GRCh38, 1-based): chr1:155,904,406, G>C on the plus strand (C>G on the coding strand, the complement: RIT1 is on the minus strand). VCF-style: chr1-155904406-G-C. GRCh37 (hg19) VCF-style: chr1-155874197-G-C.
Other names: c.226C>G, p.Arg76Gly (NM_001256820.2); c.385C>G, p.Arg129Gly (NM_001256821.2); short protein forms R112G, R129G, R76G.
Identifiers: ClinVar variation 4799947 (VCV004799947.1).
Genomic context (GRCh38, chr1:155,904,406, plus strand): 5'-CAAGAACCACAGGTGTATCGTCAGTACGTCGGACTCGATAAATAAGCTGTTTAAACTCAC[G>C]AACTTCATGGAAACTTCGACGATCCGTGATAGAGTAACAGATGATAAACCCTTCTCCTGC-3'
Protein context (NP_008843.1, residues 102-122): ITDRRSFHEV[Arg112Gly]EFKQLIYRVR

ClinVar aggregate classification (germline): Uncertain significance (1 of 4 stars; one submission).

Conditions:
Noonan syndrome 8 (NS8). Identifiers: Orphanet 648, MedGen C3809233, MONDO:0014143, OMIM 615355.

Submission:

Labcorp Genetics (formerly Invitae), Labcorp
Classification: Uncertain significance for Noonan syndrome 8. Last evaluated: 2025-08-01. Review status: criteria provided, single submitter. Criteria: Invitae Variant Classification Sherloc (09022015). Collection method: clinical testing. Allele origin: germline.
Comment: This sequence change replaces arginine, which is basic and polar, with glycine, which is neutral and non-polar, at codon 112 of the RIT1 protein (p.Arg112Gly). This variant is not present in population databases (gnomAD no frequency). This variant has not been reported in the literature in individuals affected with RIT1-related conditions. Invitae Evidence Modeling of protein sequence and biophysical properties (such as structural, functional, and spatial information, amino acid conservation, physicochemical variation, residue mobility, and thermodynamic stability) indicates that this missense variant is not expected to disrupt RIT1 protein function with a negative predictive value of 95%. Algorithms developed to predict the effect of sequence changes on RNA splicing suggest that this variant may create or strengthen a splice site. In summary, the available evidence is currently insufficient to determine the role of this variant in disease. Therefore, it has been classified as a Variant of Uncertain Significance.